The following is an entry in ClinVar:

NM_024422.6(DSC2):c.2568A>G (p.Thr856=)

Gene: DSC2 (desmocollin 2; minus strand). Cytogenetic location: 18q12.1.
Variant type: single nucleotide variant.
Coding change: c.2568A>G on transcript NM_024422.6 (MANE Select); coding-DNA position 2568, A replaced by G.
Protein change: p.Thr856=; no amino-acid change (threonine 856 retained).
Molecular consequence: synonymous variant. On other transcripts: 3 prime UTR variant (1).
Genome position (GRCh38, 1-based): chr18:31,068,153, T>C on the plus strand (A>G on the coding strand, the complement: DSC2 is on the minus strand). VCF-style: chr18-31068153-T-C. GRCh37 (hg19) VCF-style: chr18-28648119-T-C.
Other names: c.*70A>G (NM_004949.5).
Identifiers: ClinVar variation 919524 (VCV000919524.11), dbSNP rs1986693059, ClinGen allele CA503527697.

ClinVar aggregate classification (germline): Likely benign. Review status: criteria provided, multiple submitters, no conflicts (2 of 4 stars). 4 submissions from 4 submitters: Likely benign (4). Last evaluated 2024-07-10.

Conditions:
Cardiovascular phenotype. Identifiers: MedGen CN230736.
Familial isolated arrhythmogenic right ventricular dysplasia. Identifiers: Orphanet 217656, MedGen C4274968, MONDO:0016342.
Arrhythmogenic right ventricular dysplasia 11. Also called: ARRHYTHMOGENIC RIGHT VENTRICULAR DYSPLASIA, FAMILIAL, 11; Arrhythmogenic Right Ventricular Dysplasia/Cardiomyopathy11; Arrhythmogenic right ventricular dysplasia 11 with mild palmoplantar keratoderma and woolly hair. Identifiers: MedGen C1864850, MONDO:0012506, OMIM 610476.
Cardiomyopathy (CMYO). Also called: Cardiomyopathies. Identifiers: Orphanet 167848, MedGen C0878544, MONDO:0004994, HP:0001638. Inheritance: Various modes of inheritance.

Submissions (4):

Labcorp Genetics (formerly Invitae), Labcorp
Classification: Likely benign for Arrhythmogenic right ventricular dysplasia 11. Last evaluated: 2024-07-10. Review status: criteria provided, single submitter. Criteria: Invitae Variant Classification Sherloc (09022015). Collection method: clinical testing. Allele origin: germline.

All of Us Research Program, National Institutes of Health
Classification: Likely benign for Familial isolated arrhythmogenic right ventricular dysplasia. Last evaluated: 2023-12-18. Review status: criteria provided, single submitter. Criteria: ACMG Guidelines, 2015. Collection method: clinical testing. Allele origin: germline. Inheritance: Autosomal dominant inheritance. Observed: 4 variant alleles, 4 heterozygotes.
Comment: This study involves interpretation of variants in research participants for the purpose of population health screening. Participant phenotype was not available at the time of variant classification. Additional details can be found in publication PMID: 35346344, PMCID: PMC8962531

Ambry Genetics
Classification: Likely benign for Cardiovascular phenotype. Last evaluated: 2023-10-26. Review status: criteria provided, single submitter. Criteria: Ambry Variant Classification Scheme 2023. Collection method: clinical testing. Allele origin: germline.

Color Diagnostics, LLC DBA Color Health
Classification: Likely benign for Cardiomyopathy. Last evaluated: 2019-04-06. Review status: criteria provided, single submitter. Criteria: ACMG Guidelines, 2015. Collection method: clinical testing. Allele origin: germline.